The following is an entry in ClinVar:

NM_020774.4(MIB1):c.72del (p.Asp23_Trp24insTer)

Gene: MIB1 (MIB E3 ubiquitin protein ligase 1; plus strand). Cytogenetic location: 18q11.2.
Variant type: Deletion.
Coding change: c.72del on transcript NM_020774.4 (MANE Select); coding-DNA position 72, one base deleted (G; older notation c.72delG).
Protein change: p.Asp23_Trp24insTer.
Molecular consequence: nonsense.
Genome position (GRCh38, 1-based): chr18:21,741,655, G deleted; the last of 2 consecutive G bases (chr18:21,741,654-21,741,655); deleting either gives the same sequence. VCF-style (leftmost placement, unchanged base first): chr18-21741653-TG-T. GRCh37 (hg19) VCF-style: chr18-19321614-TG-T.
Identifiers: ClinVar variation 4886291 (VCV004886291.2).

ClinVar aggregate classification (germline): Uncertain significance (1 of 4 stars; one submission).

Submission:

Dasa
Classification: Uncertain significance. Last evaluated: 2025-06-04. Review status: criteria provided, single submitter. Criteria: DASA Assertion Criteria. Collection method: clinical testing. Allele origin: germline.
Comment: NM_020774.4(MIB1):c.72del (p.Trp24*) is a nonsense variant in MIB1 predicted to introduce a premature termination codon and is predicted to result in an absent or altered protein product. This variant is absent from population databases. The currently available literature and clinical evidence are not sufficient to establish a definitive association between this variant and the reported condition. Therefore, this variant is classified as a variant of uncertain significance.